The following is an entry in ClinVar:

NM_001042472.3(ABHD12):c.868-17T>C

Gene: ABHD12 (abhydrolase domain containing 12, lysophospholipase; minus strand). Cytogenetic location: 20p11.21.
Variant type: single nucleotide variant.
Coding change: c.868-17T>C on transcript NM_001042472.3 (MANE Select); 17 bases into the intron before coding-DNA position 868, T replaced by C.
Molecular consequence: intron variant.
Genome position (GRCh38, 1-based): chr20:25,306,932, A>G on the plus strand (T>C on the coding strand, the complement: ABHD12 is on the minus strand). VCF-style: chr20-25306932-A-G. GRCh37 (hg19) VCF-style: chr20-25287568-A-G.
Other names: c.868-17T>C (NM_015600.5).
Identifiers: ClinVar variation 3603804 (VCV003603804.4).

ClinVar aggregate classification (germline): Likely benign. Review status: criteria provided, multiple submitters, no conflicts (2 of 4 stars). 2 submissions from 2 submitters: Likely benign (2). Last evaluated 2025-04-16.

gnomAD v4.1: 3 of 1,575,958 alleles (0.00019%); highest among the groups gnomAD compares: Non-Finnish European, 0.00026%; no homozygotes.

Submissions (2):

Women's Health and Genetics/Laboratory Corporation of America, LabCorp
Classification: Likely benign. Last evaluated: 2025-04-16. Review status: criteria provided, single submitter. Criteria: LabCorp Variant Classification Summary - May 2015. Collection method: clinical testing. Allele origin: germline.
Comment: Variant summary: ABHD12 c.868-17T>C alters a conserved nucleotide located at a position not widely known to affect splicing. Consensus agreement among computation tools predict no significant impact on normal splicing. However, these predictions have yet to be confirmed by functional studies. The variant was absent in 248384 control chromosomes. The available data on variant occurrences in the general population are insufficient to allow any conclusion about variant significance. To our knowledge, no occurrence of c.868-17T>C in individuals affected with PHARC syndrome and no experimental evidence demonstrating its impact on protein function have been reported. ClinVar contains an entry for this variant (Variation ID: 3603804). Based on the evidence outlined above, the variant was classified as likely benign.

Labcorp Genetics (formerly Invitae), Labcorp
Classification: Likely benign. Last evaluated: 2024-06-22. Review status: criteria provided, single submitter. Criteria: Invitae Variant Classification Sherloc (09022015). Collection method: clinical testing. Allele origin: germline.